The following is an entry in ClinVar:

ClinVar aggregate classification (germline): Uncertain significance (1 of 4 stars; one submission).

Conditions:
Congenital factor VII deficiency. Identifiers: Orphanet 327, MedGen C0272320, MONDO:0009211, OMIM 227500.

Submission:

ISTH-SSC Genomics in Thrombosis and Hemostasis, KU Leuven, Center for Molecular and Vascular Biology
Classification: Uncertain significance for Congenital factor VII deficiency. Review status: criteria provided, single submitter. Criteria: ACMG Guidelines, 2015. Collection method: clinical testing. Allele origin: unknown. Affected: yes.
Comment: Submitted to GoldVariant by Kathleen Freson, Center for Molecular and Vascular Biology, Leuven, Belgium

Literature cited by the submitters: PubMed 34355501.

NM_019616.4(F7):c.1247C>T (p.Thr416Ile)

Gene: F7 (coagulation factor VII; plus strand). Cytogenetic location: 13q34.
Variant type: single nucleotide variant.
Coding change: c.1247C>T on transcript NM_019616.4 (MANE Select); coding-DNA position 1247, C replaced by T.
Protein change: p.Thr416Ile; replaces threonine 416 with isoleucine.
Molecular consequence: missense variant. On other transcripts: non-coding transcript variant (1).
Genome position (GRCh38, 1-based): chr13:113,118,920, C>T. VCF-style: chr13-113118920-C-T. GRCh37 (hg19) VCF-style: chr13-113773234-C-T.
Other names: c.1313C>T, p.Thr438Ile (NM_000131.5); c.1061C>T, p.Thr354Ile (NM_001267554.2); short protein forms T354I, T416I, T438I.
Identifiers: ClinVar variation 1676747 (VCV001676747.1), dbSNP rs2142234668, ClinGen allele CA388787068.
Genomic context (GRCh38, chr13:113,118,920, plus strand): 5'-TGACGGGCATCGTCAGCTGGGGCCAGGGCTGCGCAACCGTGGGCCACTTTGGGGTGTACA[C>T]CAGGGTCTCCCAGTACATCGAGTGGCTGCAAAAGCTCATGCGCTCAGAGCCACGCCCAGG-3'
Protein context (NP_062562.1, residues 406-426): CATVGHFGVY[Thr416Ile]RVSQYIEWLQ